The following is an entry in ClinVar:

ClinVar aggregate classification (germline): Uncertain significance (1 of 4 stars; one submission).

gnomAD v4.1: 6 of 1,166,670 alleles (0.00051%); highest among the groups gnomAD compares: Non-Finnish European, 0.00057%; no homozygotes.

Submission:

Ambry Genetics
Classification: Uncertain significance. Last evaluated: 2025-08-12. Review status: criteria provided, single submitter. Criteria: Ambry Variant Classification Scheme 2023. Collection method: clinical testing. Allele origin: germline.
Comment: The p.S119F variant (also known as c.356C>T), located in coding exon 1 of the KCNE5 gene, results from a C to T substitution at nucleotide position 356. The serine at codon 119 is replaced by phenylalanine, an amino acid with highly dissimilar properties. This amino acid position is conserved. In addition, this alteration is predicted to be tolerated by in silico analysis. Based on the available evidence, the clinical significance of this variant remains unclear.

NM_012282.4(KCNE5):c.356C>T (p.Ser119Phe)

Gene: KCNE5 (potassium voltage-gated channel subfamily E regulatory subunit 5; minus strand). Cytogenetic location: Xq23.
Variant type: single nucleotide variant.
Coding change: c.356C>T on transcript NM_012282.4 (MANE Select); coding-DNA position 356, C replaced by T.
Protein change: p.Ser119Phe; replaces serine 119 with phenylalanine.
Molecular consequence: missense variant.
Genome position (GRCh38, 1-based): chrX:109,624,665, G>A on the plus strand (C>T on the coding strand, the complement: KCNE5 is on the minus strand). VCF-style: chrX-109624665-G-A. GRCh37 (hg19) VCF-style: chrX-108867894-G-A.
Other names: short protein forms S119F.
Identifiers: ClinVar variation 4090247 (VCV004090247.1).